The following is an entry in ClinVar:

NM_032043.3(BRIP1):c.2102T>A (p.Leu701Ter)

Gene: BRIP1 (BRCA1 interacting DNA helicase 1; minus strand). Cytogenetic location: 17q23.2.
Variant type: single nucleotide variant.
Coding change: c.2102T>A on transcript NM_032043.3 (MANE Select); coding-DNA position 2102, T replaced by A.
Protein change: p.Leu701Ter; replaces leucine 701 with a stop codon.
Molecular consequence: nonsense.
Genome position (GRCh38, 1-based): chr17:61,744,587, A>T on the plus strand (T>A on the coding strand, the complement: BRIP1 is on the minus strand). VCF-style: chr17-61744587-A-T. GRCh37 (hg19) VCF-style: chr17-59821948-A-T.
Other names: short protein forms L701*.
Identifiers: ClinVar variation 2951646 (VCV002951646.3), dbSNP rs876658270, ClinGen allele CA400483424.

ClinVar aggregate classification (germline): Pathogenic (1 of 4 stars; one submission).

Conditions:
Familial cancer of breast. Also called: BREAST CANCER, FAMILIAL; hereditary breast carcinoma; Hereditary breast cancer. Identifiers: Orphanet 227535, MedGen C0346153, MONDO:0016419, OMIM 114480. Disease mechanism: loss of function.
Fanconi anemia complementation group J. Also called: BRIP1-Related Fanconi Anemia. Identifiers: Orphanet 84, MedGen C1836860, MONDO:0012187, OMIM 609054.

Submission:

Labcorp Genetics (formerly Invitae), Labcorp
Classification: Pathogenic for Familial cancer of breast; Fanconi anemia complementation group J. Last evaluated: 2023-09-19. Review status: criteria provided, single submitter. Criteria: Invitae Variant Classification Sherloc (09022015). Collection method: clinical testing. Allele origin: germline.
Comment: This sequence change creates a premature translational stop signal (p.Leu701*) in the BRIP1 gene. It is expected to result in an absent or disrupted protein product. Loss-of-function variants in BRIP1 are known to be pathogenic (PMID: 16116423, 17033622, 21964575). This variant is not present in population databases (gnomAD no frequency). This variant has not been reported in the literature in individuals affected with BRIP1-related conditions. For these reasons, this variant has been classified as Pathogenic.

Literature cited by the submitters: PubMed 16116423; PubMed 17033622; PubMed 21964575.